The following is an entry in ClinVar:

ClinVar aggregate classification (germline): Likely benign. Review status: criteria provided, multiple submitters, no conflicts (2 of 4 stars). 3 submissions from 3 submitters: Likely benign (3). Last evaluated 2025-01-05.

Conditions:
Inborn genetic diseases. Identifiers: MedGen C0950123, MeSH D030342.
Wilms tumor 1 (WT1). Also called: Wilms tumor, somatic. Identifiers: Orphanet 654, MedGen CN033288, MONDO:0008679, OMIM 194070.
11p partial monosomy syndrome (WAGR). Also called: WAGR syndrome; WAGR Spectrum Disorder; CHROMOSOME 11p13 DELETION SYNDROME; WAGR Complex. Identifiers: Orphanet 893, MedGen C0206115, MONDO:0008681, OMIM 194072.
Drash syndrome (DDS). Also called: NEPHROPATHY, WILMS TUMOR, AND GENITAL ANOMALIES; WILMS TUMOR AND PSEUDO- OR TRUE HERMAPHRODITISM. Identifiers: Orphanet 220, MedGen C0950121, MONDO:0008682, OMIM 194080.
Frasier syndrome. Identifiers: Orphanet 347, MedGen C0950122, MeSH D052159, MONDO:0007635, OMIM 136680.

Allele frequency attached by ClinVar (database versions not stated): gnomAD exomes below 0.00001; gnomAD 0.00001; ExAC 0.00002; TOPMed 0.00002.
gnomAD v4.1: 2 of 1,614,096 alleles (0.00012%); highest among the groups gnomAD compares: African/African-American, 0.0013%; no homozygotes.

Submissions (3):

Ambry Genetics
Classification: Likely benign for Inborn genetic diseases. Last evaluated: 2025-01-05. Review status: criteria provided, single submitter. Criteria: Ambry Variant Classification Scheme 2023. Collection method: clinical testing. Allele origin: germline.

All of Us Research Program, National Institutes of Health
Classification: Likely benign for Wilms tumor 1. Last evaluated: 2023-11-30. Review status: criteria provided, single submitter. Criteria: ACMG Guidelines, 2015. Collection method: clinical testing. Allele origin: germline. Inheritance: Autosomal dominant inheritance. Observed: 2 variant alleles, 2 heterozygotes.
Comment: This study involves interpretation of variants in research participants for the purpose of population health screening. Participant phenotype was not available at the time of variant classification. Additional details can be found in publication PMID: 35346344, PMCID: PMC8962531

Labcorp Genetics (formerly Invitae), Labcorp
Classification: Likely benign for Wilms tumor 1; Drash syndrome; 11p partial monosomy syndrome; Frasier syndrome. Last evaluated: 2023-10-25. Review status: criteria provided, single submitter. Criteria: Invitae Variant Classification Sherloc (09022015). Collection method: clinical testing. Allele origin: germline.

NM_024426.6(WT1):c.1029G>A (p.Gly343=)

Gene: WT1 (WT1 transcription factor; minus strand). Cytogenetic location: 11p13.
Variant type: single nucleotide variant.
Coding change: c.1029G>A on transcript NM_024426.6 (MANE Select); coding-DNA position 1029, G replaced by A.
Protein change: p.Gly343=; no amino-acid change (glycine 343 retained).
Molecular consequence: synonymous variant. On other transcripts: 5 prime UTR variant (1), non-coding transcript variant (2).
Genome position (GRCh38, 1-based): chr11:32,400,032, C>T on the plus strand (G>A on the coding strand, the complement: WT1 is on the minus strand). VCF-style: chr11-32400032-C-T. GRCh37 (hg19) VCF-style: chr11-32421578-C-T.
Other names: c.978G>A, p.Gly326= (NM_000378.6, NM_001407045.1, NM_001407048.1 and 1 more transcripts); c.378G>A, p.Gly126= (NM_001198551.2); c.327G>A, p.Gly109= (NM_001198552.2); c.-160G>A (NM_001367854.1); c.1023G>A, p.Gly341= (NM_001407044.1); c.1029G>A, p.Gly343= (NM_001407046.1, NM_024424.5); c.906G>A, p.Gly302= (NM_001407047.1); c.855G>A, p.Gly285= (NM_001407050.1); and 3 more.
Identifiers: ClinVar variation 1152652 (VCV001152652.12), dbSNP rs752102247, ClinGen allele CA064052.